The following is an entry in ClinVar:

NM_000321.3(RB1):c.1743dup (p.Pro582fs)

Gene: RB1 (RB transcriptional corepressor 1; plus strand). Cytogenetic location: 13q14.2.
Variant type: Duplication.
Coding change: c.1743dup on transcript NM_000321.3 (MANE Select); coding-DNA position 1743, one base duplicated (A; older notation c.1743dupA).
Protein change: p.Pro582fs; shifts the reading frame from proline 582.
Molecular consequence: frameshift variant.
Genome position (GRCh38, 1-based): chr13:48,453,040, A duplicated. VCF-style (leftmost placement, unchanged base first): chr13-48453039-G-GA. GRCh37 (hg19) VCF-style: chr13-49027175-G-GA.
Other names: short protein forms P582fs.
Identifiers: ClinVar variation 1449760 (VCV001449760.6), dbSNP rs2138327123, ClinGen allele CA2573149563.

ClinVar aggregate classification (germline): Pathogenic (1 of 4 stars; one submission).

Conditions:
Retinoblastoma (RB1). Also called: RETINOBLASTOMA, SOMATIC. Identifiers: Orphanet 790, MedGen C0035335, MeSH D012175, MONDO:0008380, OMIM 180200, HP:0009919. Disease mechanism: loss of function. Inheritance: Both sporadic and heritable forms are tested..

Submission:

Labcorp Genetics (formerly Invitae), Labcorp
Classification: Pathogenic for Retinoblastoma. Last evaluated: 2021-04-02. Review status: criteria provided, single submitter. Criteria: Invitae Variant Classification Sherloc (09022015). Collection method: clinical testing. Allele origin: germline.
Comment: For these reasons, this variant has been classified as Pathogenic. This variant has not been reported in the literature in individuals with RB1-related conditions. This variant is not present in population databases (ExAC no frequency). This sequence change creates a premature translational stop signal (p.Pro582Thrfs*3) in the RB1 gene. It is expected to result in an absent or disrupted protein product. Loss-of-function variants in RB1 are known to be pathogenic (PMID: 17096365).

Literature cited by the submitters: PubMed 17096365.